The following is an entry in ClinVar:

ClinVar aggregate classification (germline): Uncertain significance. Review status: criteria provided, multiple submitters, no conflicts (2 of 4 stars). 2 submissions from 2 submitters: Uncertain significance (2). Last evaluated 2023-12-04.

Conditions:
Hereditary cancer-predisposing syndrome. Also called: Hereditary Cancer Syndrome; Hereditary neoplastic syndrome; Neoplastic Syndromes, Hereditary; Tumor predisposition. Identifiers: Orphanet 140162, MedGen C0027672, MeSH D009386, MONDO:0015356.
Ataxia-telangiectasia syndrome (AT). Also called: Ataxia-telangiectasia, complementation group E; LOUIS-BAR SYNDROME; Cerebello-oculocutaneous telangiectasia; Immunodeficiency with ataxia telangiectasia; Ataxia-telangiectasia, complementation group D; AT, COMPLEMENTATION GROUP C. Identifiers: Orphanet 100, MedGen C0004135, MONDO:0008840, OMIM 208900.

Submissions (2):

Color Diagnostics, LLC DBA Color Health
Classification: Uncertain significance for Hereditary cancer-predisposing syndrome. Last evaluated: 2023-12-04. Review status: criteria provided, single submitter. Criteria: ACMG Guidelines, 2015. Collection method: clinical testing. Allele origin: germline.
Comment: This missense variant replaces glutamic acid with aspartic acid at codon 518 of the ATM protein. Computational prediction suggests that this variant may not impact protein structure and function (internally defined REVEL score threshold <= 0.5, PMID: 27666373). To our knowledge, functional studies have not been reported for this variant. This variant has not been reported in individuals affected with ATM-related disorders in the literature. This variant has not been identified in the general population by the Genome Aggregation Database (gnomAD). The available evidence is insufficient to determine the role of this variant in disease conclusively. Therefore, this variant is classified as a Variant of Uncertain Significance.

Labcorp Genetics (formerly Invitae), Labcorp
Classification: Uncertain significance for Ataxia-telangiectasia syndrome. Last evaluated: 2021-08-13. Review status: criteria provided, single submitter. Criteria: Invitae Variant Classification Sherloc (09022015). Collection method: clinical testing. Allele origin: germline.
Comment: This sequence change replaces glutamic acid with aspartic acid at codon 518 of the ATM protein (p.Glu518Asp). The glutamic acid residue is weakly conserved and there is a small physicochemical difference between glutamic acid and aspartic acid. This variant is not present in population databases (ExAC no frequency). This variant has not been reported in the literature in individuals affected with ATM-related conditions. This missense change has been observed to co-occur in individuals with a different variant in ATM that has been determined to be pathogenic (Invitae), but the significance of this finding is unclear. Algorithms developed to predict the effect of missense changes on protein structure and function (SIFT, PolyPhen-2, Align-GVGD) all suggest that this variant is likely to be tolerated. In summary, the available evidence is currently insufficient to determine the role of this variant in disease. Therefore, it has been classified as a Variant of Uncertain Significance.

NM_000051.4(ATM):c.1554G>C (p.Glu518Asp)

Gene: ATM (ATM serine/threonine kinase; plus strand). Cytogenetic location: 11q22.3.
Variant type: single nucleotide variant.
Coding change: c.1554G>C on transcript NM_000051.4 (MANE Select); coding-DNA position 1554, G replaced by C.
Protein change: p.Glu518Asp; replaces glutamic acid 518 with aspartic acid.
Molecular consequence: missense variant.
Genome position (GRCh38, 1-based): chr11:108,251,019, G>C. VCF-style: chr11-108251019-G-C. GRCh37 (hg19) VCF-style: chr11-108121746-G-C.
Other names: c.1554G>C, p.Glu518Asp (NM_001351834.2); short protein forms E518D.
Identifiers: ClinVar variation 922949 (VCV000922949.11), dbSNP rs2080117769, ClinGen allele CA382534341.
Genomic context (GRCh38, chr11:108,251,019, plus strand): 5'-GCAAATACAAGCTGAAAACTTTGGCTTACTTGGAGCCATAATTCAGGGTAGTTTAGTTGA[G>C]GTTGACAGAGAATTCTGGAAGTTATTTACTGGGTCAGCCTGCAGACCTTCATGGTAAGTT-3'
Protein context (NP_000042.3, residues 508-528): LGAIIQGSLV[Glu518Asp]VDREFWKLFT